The following is an entry in ClinVar:

ClinVar aggregate classification (germline): Uncertain significance. Review status: criteria provided, multiple submitters, no conflicts (2 of 4 stars). 2 submissions from 2 submitters: Uncertain significance (2). Last evaluated 2025-05-02.

Conditions:
Inborn genetic diseases. Identifiers: MedGen C0950123, MeSH D030342.

Submissions (2):

Ambry Genetics
Classification: Uncertain significance for Inborn genetic diseases. Last evaluated: 2025-05-02. Review status: criteria provided, single submitter. Criteria: Ambry Variant Classification Scheme 2023. Collection method: clinical testing. Allele origin: germline.
Comment: The p.F1231S variant (also known as c.3692T>C), located in coding exon 1 of the SAMD9 gene, results from a T to C substitution at nucleotide position 3692. The phenylalanine at codon 1231 is replaced by serine, an amino acid with highly dissimilar properties. This amino acid position is conserved. In addition, the in silico prediction for this alteration is inconclusive. Based on the available evidence, the clinical significance of this variant remains unclear.

Labcorp Genetics (formerly Invitae), Labcorp
Classification: Uncertain significance. Last evaluated: 2024-02-08. Review status: criteria provided, single submitter. Criteria: Invitae Variant Classification Sherloc (09022015). Collection method: clinical testing. Allele origin: germline.
Comment: This sequence change replaces phenylalanine, which is neutral and non-polar, with serine, which is neutral and polar, at codon 1231 of the SAMD9 protein (p.Phe1231Ser). This variant is present in population databases (no rsID available, gnomAD no frequency). This variant has not been reported in the literature in individuals affected with SAMD9-related conditions. Advanced modeling of protein sequence and biophysical properties (such as structural, functional, and spatial information, amino acid conservation, physicochemical variation, residue mobility, and thermodynamic stability) has been performed at Invitae for this missense variant, however the output from this modeling did not meet the statistical confidence thresholds required to predict the impact of this variant on SAMD9 protein function. In summary, the available evidence is currently insufficient to determine the role of this variant in disease. Therefore, it has been classified as a Variant of Uncertain Significance.

NM_017654.4(SAMD9):c.3692T>C (p.Phe1231Ser)

Gene: SAMD9 (sterile alpha motif domain containing 9; minus strand). Cytogenetic location: 7q21.2.
Variant type: single nucleotide variant.
Coding change: c.3692T>C on transcript NM_017654.4 (MANE Select); coding-DNA position 3692, T replaced by C.
Protein change: p.Phe1231Ser; replaces phenylalanine 1231 with serine.
Molecular consequence: missense variant.
Genome position (GRCh38, 1-based): chr7:93,102,406, A>G on the plus strand (T>C on the coding strand, the complement: SAMD9 is on the minus strand). VCF-style: chr7-93102406-A-G. GRCh37 (hg19) VCF-style: chr7-92731719-A-G.
Other names: c.3692T>C, p.Phe1231Ser (NM_001193307.2); c.3692T>C (NM_017654.3); short protein forms F1231S.
Identifiers: ClinVar variation 3687734 (VCV003687734.3).
Genomic context (GRCh38, chr7:93,102,406, plus strand): 5'-TTGAGGGCTAATTTATATTCATTGTTTGGATCCCCTGGAATATCACTACTTCCTGATACA[A>G]AATTGACCATATATCTTTTAGATAGCTCATTTTTATTATCAAAAAAAGGAATGAGCTGGA-3'
Protein context (NP_060124.2, residues 1221-1241): NELSKRYMVN[Phe1231Ser]VSGSSDIPGD